The following is an entry in ClinVar:

NM_174936.4(PCSK9):c.1672G>A (p.Val558Ile)

Gene: PCSK9 (proprotein convertase subtilisin/kexin type 9; plus strand). Cytogenetic location: 1p32.3.
Variant type: single nucleotide variant.
Coding change: c.1672G>A on transcript NM_174936.4 (MANE Select); coding-DNA position 1672, G replaced by A.
Protein change: p.Val558Ile; replaces valine 558 with isoleucine.
Molecular consequence: missense variant.
Genome position (GRCh38, 1-based): chr1:55,059,654, G>A. VCF-style: chr1-55059654-G-A. GRCh37 (hg19) VCF-style: chr1-55525327-G-A.
Other names: c.1795G>A, p.Val599Ile (NM_001407240.1); c.1714G>A, p.Val572Ile (NM_001407241.1); c.1675G>A, p.Val559Ile (NM_001407242.1); c.1615G>A, p.Val539Ile (NM_001407243.1); c.1498G>A, p.Val500Ile (NM_001407244.1); c.1480G>A, p.Val494Ile (NM_001407245.1); c.1297G>A, p.Val433Ile (NM_001407246.1); short protein forms V558I, V433I, V494I, V572I, V500I, V559I, V599I, V539I.
Identifiers: ClinVar variation 1425305 (VCV001425305.13), dbSNP rs1277680499, ClinGen allele CA340480109.

ClinVar aggregate classification (germline): Uncertain significance. Review status: criteria provided, multiple submitters, no conflicts (2 of 4 stars). 4 submissions from 4 submitters: Uncertain significance (4). Last evaluated 2025-12-16.

Conditions:
Cardiovascular phenotype. Identifiers: MedGen CN230736.
Familial hypercholesterolemia. Also called: Familial hypercholesterolemias; Familial hypercholesterolaemia. Identifiers: MedGen C0020445, MONDO:0005439.
Hypercholesterolemia, autosomal dominant, 3 (FHCL3). Also called: Familial Hypercholesterolemia, Autosomal Dominant, 3; Familial hypercholesterolemia 3; PCSK9-Related Familial Hypercholesterolemia, Autosomal Dominant. Identifiers: MedGen C1863551, MONDO:0011369, OMIM 603776.

Allele frequency attached by ClinVar (database versions not stated): gnomAD exomes 0.00001; TOPMed 0.00002.
gnomAD v4.1: 10 of 1,550,620 alleles (0.00064%); highest among the groups gnomAD compares: Admixed American, 0.002%; no homozygotes.

Submissions (4):

Ambry Genetics
Classification: Uncertain significance for Cardiovascular phenotype. Last evaluated: 2025-12-16. Review status: criteria provided, single submitter. Criteria: Ambry Variant Classification Scheme 2023. Collection method: clinical testing. Allele origin: germline.

Color Diagnostics, LLC DBA Color Health
Classification: Uncertain significance for Familial hypercholesterolemia. Last evaluated: 2024-03-06. Review status: criteria provided, single submitter. Criteria: ACMG Guidelines, 2015. Collection method: clinical testing. Allele origin: germline.
Comment: This missense variant replaces valine with isoleucine at codon 558 of the PCSK9 protein. Computational prediction suggests that this variant may not impact protein structure and function (internally defined REVEL score threshold <= 0.5, PMID: 27666373). To our knowledge, functional studies have not been reported for this variant. This variant has not been reported in individuals affected with PCSK9-related disorders in the literature. This variant has been identified in 1/156208 chromosomes in the general population by the Genome Aggregation Database (gnomAD). The available evidence is insufficient to determine the role of this variant in disease conclusively. Therefore, this variant is classified as a Variant of Uncertain Significance.

Labcorp Genetics (formerly Invitae), Labcorp
Classification: Uncertain significance for Hypercholesterolemia, autosomal dominant, 3. Last evaluated: 2023-10-08. Review status: criteria provided, single submitter. Criteria: Invitae Variant Classification Sherloc (09022015). Collection method: clinical testing. Allele origin: germline.
Comment: This sequence change replaces valine, which is neutral and non-polar, with isoleucine, which is neutral and non-polar, at codon 558 of the PCSK9 protein (p.Val558Ile). The frequency data for this variant in the population databases is considered unreliable, as metrics indicate poor data quality at this position in the gnomAD database. This variant has not been reported in the literature in individuals affected with PCSK9-related conditions. ClinVar contains an entry for this variant (Variation ID: 1425305). Advanced modeling of protein sequence and biophysical properties (such as structural, functional, and spatial information, amino acid conservation, physicochemical variation, residue mobility, and thermodynamic stability) performed at Invitae indicates that this missense variant is not expected to disrupt PCSK9 protein function. In summary, the available evidence is currently insufficient to determine the role of this variant in disease. Therefore, it has been classified as a Variant of Uncertain Significance.

All of Us Research Program, National Institutes of Health
Classification: Uncertain significance for Hypercholesterolemia, autosomal dominant, 3. Last evaluated: 2023-09-04. Review status: criteria provided, single submitter. Criteria: ACMG Guidelines, 2015. Collection method: clinical testing. Allele origin: germline. Inheritance: Autosomal dominant inheritance. Observed: 2 variant alleles, 2 heterozygotes.
Comment: This missense variant replaces valine with isoleucine at codon 558 of the PCSK9 protein. Computational prediction suggests that this variant may not impact protein structure and function (internally defined REVEL score threshold <= 0.5, PMID: 27666373). To our knowledge, functional studies have not been reported for this variant. This variant has not been reported in individuals affected with familial hypercholesterolemia in the literature. This variant has been identified in 1/156208 chromosomes in the general population by the Genome Aggregation Database (gnomAD). The available evidence is insufficient to determine the role of this variant in disease conclusively. Therefore, this variant is classified as a Variant of Uncertain Significance.

This study involves interpretation of variants in research participants for the purpose of population health screening. Participant phenotype was not available at the time of variant classification. Additional details can be found in publication PMID: 35346344, PMCID: PMC8962531